The following is an entry in ClinVar:

NM_000136.3(FANCC):c.406C>G (p.Gln136Glu)

Gene: FANCC (FA complementation group C; minus strand). Cytogenetic location: 9q22.32.
Variant type: single nucleotide variant.
Coding change: c.406C>G on transcript NM_000136.3 (MANE Select); coding-DNA position 406, C replaced by G.
Protein change: p.Gln136Glu; replaces glutamine 136 with glutamic acid.
Molecular consequence: missense variant.
Genome position (GRCh38, 1-based): chr9:95,172,087, G>C on the plus strand (C>G on the coding strand, the complement: FANCC is on the minus strand). VCF-style: chr9-95172087-G-C. GRCh37 (hg19) VCF-style: chr9-97934369-G-C.
Other names: c.406C>G, p.Gln136Glu (NM_001243743.2, NM_001243744.2); short protein forms Q136E.
Identifiers: ClinVar variation 1737531 (VCV001737531.6), dbSNP rs1407999116, ClinGen allele CA374338798.
Genomic context (GRCh38, chr9:95,172,087, plus strand): 5'-AAATACTCACATTTTTAAGCAAACCAGGATAGTAATCTATAGGTGCATACCCAAGACCTT[G>C]AGTGAAAAGAGCAACTTCTTTATCAAATCTGAGTGCTGAAAGTATATGAGATAATACACC-3'
Protein context (NP_000127.2, residues 126-146): RFDKEVALFT[Gln136Glu]GLGYAPIDYY

ClinVar aggregate classification (germline): Conflicting classifications of pathogenicity. Review status: criteria provided, conflicting classifications (1 of 4 stars). 3 submissions from 3 submitters: Uncertain significance (2); Likely benign (1). Last evaluated 2025-10-30.

Conditions:
Hereditary cancer-predisposing syndrome. Also called: Neoplastic Syndromes, Hereditary; Tumor predisposition; Hereditary Cancer Syndrome; Hereditary neoplastic syndrome. Identifiers: Orphanet 140162, MedGen C0027672, MeSH D009386, MONDO:0015356.
Fanconi anemia (FA). Also called: Fanconi's anemia. Identifiers: Orphanet 84, MedGen C0015625, MeSH D005199, MONDO:0019391.

Allele frequency attached by ClinVar (database versions not stated): TOPMed below 0.00001.
gnomAD v4.1: 8 of 1,613,266 alleles (0.0005%); highest among the groups gnomAD compares: Non-Finnish European, 0.00059%; no homozygotes.

Submissions (3):

Labcorp Genetics (formerly Invitae), Labcorp
Classification: Uncertain significance for Fanconi anemia. Last evaluated: 2025-10-30. Review status: criteria provided, single submitter. Criteria: Invitae Variant Classification Sherloc (09022015). Collection method: clinical testing. Allele origin: germline.
Comment: This sequence change replaces glutamine, which is neutral and polar, with glutamic acid, which is acidic and polar, at codon 136 of the FANCC protein (p.Gln136Glu). This variant is present in population databases (no rsID available, gnomAD no frequency). This variant has not been reported in the literature in individuals affected with FANCC-related conditions. ClinVar contains an entry for this variant (Variation ID: 1737531). Invitae Evidence Modeling of protein sequence and biophysical properties (such as structural, functional, and spatial information, amino acid conservation, physicochemical variation, residue mobility, and thermodynamic stability) indicates that this missense variant is not expected to disrupt FANCC protein function with a negative predictive value of 80%. In summary, the available evidence is currently insufficient to determine the role of this variant in disease. Therefore, it has been classified as a Variant of Uncertain Significance.

Ambry Genetics
Classification: Likely benign for Hereditary cancer-predisposing syndrome. Last evaluated: 2024-03-25. Review status: criteria provided, single submitter. Criteria: Ambry Variant Classification Scheme 2023. Collection method: clinical testing. Allele origin: germline.

GeneDx
Classification: Uncertain significance. Last evaluated: 2023-12-08. Review status: criteria provided, single submitter. Criteria: GeneDx Variant Classification Process June 2021. Collection method: clinical testing. Allele origin: germline. Affected: yes.
Comment: Not observed at significant frequency in large population cohorts (gnomAD); In silico analysis supports that this missense variant does not alter protein structure/function; Has not been previously published as pathogenic or benign to our knowledge; This variant is associated with the following publications: (PMID: Gordon2000[Book])